The following is an entry in ClinVar:

NM_001042492.3(NF1):c.7922A>T (p.Glu2641Val)

Gene: NF1 (neurofibromin 1; plus strand). Cytogenetic location: 17q11.2.
Variant type: single nucleotide variant.
Coding change: c.7922A>T on transcript NM_001042492.3 (MANE Select); coding-DNA position 7922, A replaced by T.
Protein change: p.Glu2641Val; replaces glutamic acid 2641 with valine.
Molecular consequence: missense variant.
Genome position (GRCh38, 1-based): chr17:31,357,321, A>T. VCF-style: chr17-31357321-A-T. GRCh37 (hg19) VCF-style: chr17-29684339-A-T.
Other names: c.7859A>T, p.Glu2620Val (NM_000267.4); short protein forms E2620V, E2641V.
Identifiers: ClinVar variation 229802 (VCV000229802.10), dbSNP rs876658205, ClinGen allele CA10580427.

ClinVar aggregate classification (germline): Uncertain significance. Review status: criteria provided, multiple submitters, no conflicts (2 of 4 stars). 4 submissions from 4 submitters: Uncertain significance (4). Last evaluated 2025-08-29.

Conditions:
NF1-related disorder. Also called: NF1-related condition. Identifiers: MedGen CN379171.
Hereditary cancer-predisposing syndrome. Also called: Neoplastic Syndromes, Hereditary; Tumor predisposition; Hereditary Cancer Syndrome; Hereditary neoplastic syndrome. Identifiers: Orphanet 140162, MedGen C0027672, MeSH D009386, MONDO:0015356.
Neurofibromatosis, type 1 (NF1). Also called: NEUROFIBROMATOSIS, TYPE I, SOMATIC; Peripheral type neurofibromatosis; Neurofibromatosis, type I; VON RECKLINGHAUSEN DISEASE. Identifiers: Orphanet 636, MedGen C0027831, MONDO:0018975, OMIM 162200. Disease mechanism: loss of function.

Submissions (4):

PreventionGenetics, part of Exact Sciences
Classification: Uncertain significance for NF1-related condition. Last evaluated: 2025-08-29. Review status: criteria provided, single submitter. Criteria: ACMG Guidelines, 2015. Collection method: clinical testing. Allele origin: germline.
Comment: The NF1 c.7922A>T variant is predicted to result in the amino acid substitution p.Glu2641Val. To our knowledge, this variant has not been reported in the literature or in a large population database (gnomAD), indicating this variant is rare. This variant is interpreted as variant of uncertain significance in ClinVar (Variation ID: 229802). At this time, the clinical significance of this variant is uncertain due to the absence of conclusive functional and genetic evidence.

Athena Diagnostics
Classification: Uncertain significance. Last evaluated: 2024-11-26. Review status: criteria provided, single submitter. Criteria: Athena Diagnostics Criteria. Collection method: clinical testing. Allele origin: unknown.
Comment: Available data are insufficient to determine the clinical significance of the variant at this time. This variant has not been reported in large, multi-ethnic general populations. Polyphen and MutationTaster yielded discordant predictions regarding whether this amino acid change is damaging to the protein.

Labcorp Genetics (formerly Invitae), Labcorp
Classification: Uncertain significance for Neurofibromatosis, type 1. Last evaluated: 2023-07-17. Review status: criteria provided, single submitter. Criteria: Invitae Variant Classification Sherloc (09022015). Collection method: clinical testing. Allele origin: germline.
Comment: ClinVar contains an entry for this variant (Variation ID: 229802). In summary, the available evidence is currently insufficient to determine the role of this variant in disease. Therefore, it has been classified as a Variant of Uncertain Significance. Advanced modeling of protein sequence and biophysical properties (such as structural, functional, and spatial information, amino acid conservation, physicochemical variation, residue mobility, and thermodynamic stability) performed at Invitae indicates that this missense variant is expected to disrupt NF1 protein function. This variant has not been reported in the literature in individuals affected with NF1-related conditions. This variant is not present in population databases (gnomAD no frequency). This sequence change replaces glutamic acid, which is acidic and polar, with valine, which is neutral and non-polar, at codon 2620 of the NF1 protein (p.Glu2620Val).

Ambry Genetics
Classification: Uncertain significance for Hereditary cancer-predisposing syndrome. Last evaluated: 2015-01-07. Review status: criteria provided, single submitter. Criteria: Ambry Autosomal Dominant and X-Linked criteria (10/2015). Collection method: clinical testing. Allele origin: germline. Observed: 1 variant allele.
Comment: The p.E2641V variant (also known as c.7922A>T), located in coding exon 54 of the NF1 gene, results from an A to T substitution at nucleotide position 7922. The glutamic acid at codon 2641 is replaced by valine, an amino acid with dissimilar properties. This variant was not reported in population based cohorts in the following databases: Database of Single Nucleotide Polymorphisms (dbSNP), NHLBI Exome Sequencing Project (ESP), and 1000 Genomes Project. In the ESP, this variant was not observed in 6503 samples (13006 alleles) with coverage at this position. To date, this alteration has been detected with an allele frequency of approximately 0.003% (greater than 30000 alleles tested) in our clinical cohort. This amino acid position is well conserved in available vertebrate species. In addition, this alteration is predicted to be deleterious by in silico analysis. Since supporting evidence is limited at this time, the clinical significance of p.E2641V remains unclear.

Literature cited by the submitters: PubMed 32461694 (cited by Athena Diagnostics).